The following is an entry in ClinVar:

ClinVar aggregate classification (germline): Pathogenic (1 of 4 stars; one submission).

Submission:

ISCA site 17
Classification: Pathogenic. Last evaluated: 2011-08-12. Review status: criteria provided, single submitter. Criteria: Kaminsky et al. (Genet Med. 2011). Collection method: clinical testing. Allele origin: unknown. Affected: yes. Observed: 1 variant allele.
Comment: Copy number variation identified through the course of routine clinical cytogenomic testing in postnatal populations. Clinical assertions have been curated as described in Kaminsky et al. 2011.

GRCh38/hg38 7q11.23(chr7:73614671-73942928)x1

Genes: ABHD11 (abhydrolase domain containing 11; minus strand), ABHD11-AS1 (ABHD11 antisense RNA 1 (tail to tail); plus strand), BUD23 (BUD23 rRNA methyltransferase and ribosome maturation factor; plus strand), CLDN3 (claudin 3; minus strand), CLDN4 (claudin 4; plus strand) and 31 more. Cytogenetic location: 7q11.23.
Variant type: copy number loss.
Change: copy number 1 (one copy instead of two) of chr7:73,614,671-73,942,928 (328.3 kb, GRCh38 coordinates, 1-based), cytogenetic band 7q11.23.
Identifiers: ClinVar variation 60243 (VCV000060243.1).